The following is an entry in ClinVar:

NM_001081.4(CUBN):c.1978C>A (p.Leu660Ile)

Gene: CUBN (cubilin; minus strand). Cytogenetic location: 10p13.
Variant type: single nucleotide variant.
Coding change: c.1978C>A on transcript NM_001081.4 (MANE Select); coding-DNA position 1978, C replaced by A.
Protein change: p.Leu660Ile; replaces leucine 660 with isoleucine.
Molecular consequence: missense variant.
Genome position (GRCh38, 1-based): chr10:17,085,729, G>T on the plus strand (C>A on the coding strand, the complement: CUBN is on the minus strand). VCF-style: chr10-17085729-G-T. GRCh37 (hg19) VCF-style: chr10-17127728-G-T.
Other names: short protein forms L660I.
Identifiers: ClinVar variation 1510994 (VCV001510994.6), dbSNP rs1836092449, ClinGen allele CA376149966.

ClinVar aggregate classification (germline): Uncertain significance (1 of 4 stars; one submission).

Conditions:
Imerslund-Grasbeck syndrome. Also called: Megaloblastic anemia due to inborn errors of metabolism; Imerslund-Gräsbeck syndrome; ENTEROCYTE COBALAMIN MALABSORPTION; ENTEROCYTE INTRINSIC FACTOR RECEPTOR, DEFECT OF; PERNICIOUS ANEMIA, JUVENILE, DUE TO SELECTIVE INTESTINAL MALABSORPTION OF VITAMIN B12, WITH PROTEINURIA. Identifiers: Orphanet 35858, MedGen C4551825, MONDO:0009853.

Allele frequency attached by ClinVar (database versions not stated): TOPMed below 0.00001; gnomAD 0.00001; gnomAD exomes 0.00001.
gnomAD v4.1: 11 of 1,613,930 alleles (0.00068%); highest among the groups gnomAD compares: Non-Finnish European, 0.00093%; no homozygotes.

Submission:

Labcorp Genetics (formerly Invitae), Labcorp
Classification: Uncertain significance for Imerslund-Grasbeck syndrome. Last evaluated: 2022-09-06. Review status: criteria provided, single submitter. Criteria: Invitae Variant Classification Sherloc (09022015). Collection method: clinical testing. Allele origin: germline.
Comment: This sequence change replaces leucine, which is neutral and non-polar, with isoleucine, which is neutral and non-polar, at codon 660 of the CUBN protein (p.Leu660Ile). This variant is not present in population databases (gnomAD no frequency). This variant has not been reported in the literature in individuals affected with CUBN-related conditions. ClinVar contains an entry for this variant (Variation ID: 1510994). Algorithms developed to predict the effect of missense changes on protein structure and function output the following: SIFT: "Tolerated"; PolyPhen-2: "Benign"; Align-GVGD: "Class C0". The isoleucine amino acid residue is found in multiple mammalian species, which suggests that this missense change does not adversely affect protein function. In summary, the available evidence is currently insufficient to determine the role of this variant in disease. Therefore, it has been classified as a Variant of Uncertain Significance.